The following is an entry in ClinVar:

NM_001372.4(DNAH9):c.6377C>T (p.Ala2126Val)

Gene: DNAH9 (dynein axonemal heavy chain 9; plus strand). Cytogenetic location: 17p12.
Variant type: single nucleotide variant.
Coding change: c.6377C>T on transcript NM_001372.4 (MANE Select); coding-DNA position 6377, C replaced by T.
Protein change: p.Ala2126Val; replaces alanine 2126 with valine.
Molecular consequence: missense variant.
Genome position (GRCh38, 1-based): chr17:11,745,062, C>T. VCF-style: chr17-11745062-C-T. GRCh37 (hg19) VCF-style: chr17-11648379-C-T.
Other names: c.6377C>T (NM_001372.3); short protein forms A2126V.
Identifiers: ClinVar variation 1587797 (VCV001587797.12), dbSNP rs143162500, ClinGen allele CA8396285.

ClinVar aggregate classification (germline): Conflicting classifications of pathogenicity. Review status: criteria provided, conflicting classifications (1 of 4 stars). 3 submissions from 3 submitters: Uncertain significance (1); Benign (1). 1 of the submissions does not count toward it. Last evaluated 2026-01-29.

Conditions:
DNAH9-related disorder. Also called: DNAH9-related condition.
Inborn genetic diseases. Identifiers: MedGen C0950123, MeSH D030342.

Allele frequency attached by ClinVar (database versions not stated): gnomAD exomes 0.00006 and 0.00020; ExAC 0.00027; 1000 Genomes Project 0.00060; 1000 Genomes Project 30x 0.00062; gnomAD 0.00074 and 0.00081; TOPMed 0.00078; ESP Exome Variant Server 0.00108.
gnomAD v4.1: 210 of 1,613,260 alleles (0.013%); highest among the groups gnomAD compares: African/African-American, 0.25%; 1 homozygote.

Submissions (3):

Labcorp Genetics (formerly Invitae), Labcorp
Classification: Benign. Last evaluated: 2026-01-29. Review status: criteria provided, single submitter. Criteria: Invitae Variant Classification Sherloc (09022015). Collection method: clinical testing. Allele origin: germline.

Ambry Genetics
Classification: Uncertain significance for Inborn genetic diseases. Last evaluated: 2024-05-01. Review status: criteria provided, single submitter. Criteria: Ambry Variant Classification Scheme 2023. Collection method: clinical testing. Allele origin: germline.

PreventionGenetics, part of Exact Sciences
Classification: Likely benign for DNAH9-related condition. Last evaluated: 2024-09-27. Review status: no assertion criteria provided. Collection method: clinical testing. Allele origin: germline. Not counted in ClinVar's aggregate classification.
Comment: This variant is classified as likely benign based on ACMG/AMP sequence variant interpretation guidelines (Richards et al. 2015 PMID: 25741868, with internal and published modifications).